The following is an entry in ClinVar:

ClinVar aggregate classification (germline): Uncertain significance (1 of 4 stars; one submission).

Conditions:
GM1 gangliosidosis. Identifiers: Orphanet 354, MedGen C0085131, MONDO:0018149.
Mucopolysaccharidosis, MPS-IV-B (MPS4B). Also called: Mucopolysaccharidosis type IV B; Mucopolysaccharidosis type 4B; MORQUIO SYNDROME B; Mucopolysaccharidosis type IVB (Morquio); MPS IVB; Mucopolysaccharidosis Type IVB. Identifiers: Orphanet 309310, Orphanet 582, MedGen C0086652, MONDO:0009660, OMIM 253010.

Submission:

Labcorp Genetics (formerly Invitae), Labcorp
Classification: Uncertain significance for Mucopolysaccharidosis, MPS-IV-B; GM1 gangliosidosis. Last evaluated: 2022-06-29. Review status: criteria provided, single submitter. Criteria: Invitae Variant Classification Sherloc (09022015). Collection method: clinical testing. Allele origin: germline.
Comment: In summary, the available evidence is currently insufficient to determine the role of this variant in disease. Therefore, it has been classified as a Variant of Uncertain Significance. Algorithms developed to predict the effect of missense changes on protein structure and function output the following: SIFT: "Tolerated"; PolyPhen-2: "Benign"; Align-GVGD: "Class C0". The lysine amino acid residue is found in multiple mammalian species, which suggests that this missense change does not adversely affect protein function. This variant has not been reported in the literature in individuals affected with GLB1-related conditions. This variant is not present in population databases (gnomAD no frequency). This sequence change replaces glutamic acid, which is acidic and polar, with lysine, which is basic and polar, at codon 362 of the GLB1 protein (p.Glu362Lys).

NM_000404.4(GLB1):c.1084G>A (p.Glu362Lys)

Gene: GLB1 (galactosidase beta 1; minus strand). Cytogenetic location: 3p22.3.
Variant type: single nucleotide variant.
Coding change: c.1084G>A on transcript NM_000404.4 (MANE Select); coding-DNA position 1084, G replaced by A.
Protein change: p.Glu362Lys; replaces glutamic acid 362 with lysine.
Molecular consequence: missense variant.
Genome position (GRCh38, 1-based): chr3:33,024,310, C>T on the plus strand (G>A on the coding strand, the complement: GLB1 is on the minus strand). VCF-style: chr3-33024310-C-T. GRCh37 (hg19) VCF-style: chr3-33065802-C-T.
Other names: c.994G>A, p.Glu332Lys (NM_001079811.3); c.691G>A, p.Glu231Lys (NM_001135602.3); c.1228G>A, p.Glu410Lys (NM_001317040.2); c.1084G>A, p.Glu362Lys (NM_001393580.1); short protein forms E332K, E410K, E362K, E231K.
Identifiers: ClinVar variation 1957397 (VCV001957397.5), dbSNP rs2125479086, ClinGen allele CA351995380.